The following is an entry in ClinVar:

NM_033026.6(PCLO):c.4526C>G (p.Pro1509Arg)

Gene: PCLO (piccolo presynaptic cytomatrix protein; minus strand). Cytogenetic location: 7q21.11.
Variant type: single nucleotide variant.
Coding change: c.4526C>G on transcript NM_033026.6 (MANE Select); coding-DNA position 4526, C replaced by G.
Protein change: p.Pro1509Arg; replaces proline 1509 with arginine.
Molecular consequence: missense variant.
Genome position (GRCh38, 1-based): chr7:82,956,427, G>C on the plus strand (C>G on the coding strand, the complement: PCLO is on the minus strand). VCF-style: chr7-82956427-G-C. GRCh37 (hg19) VCF-style: chr7-82585743-G-C.
Other names: c.4526C>G, p.Pro1509Arg (NM_014510.3); short protein forms P1509R.
Identifiers: ClinVar variation 1349928 (VCV001349928.8), dbSNP rs1795522048, ClinGen allele CA367926571.

ClinVar aggregate classification (germline): Uncertain significance (1 of 4 stars; one submission).

Allele frequency attached by ClinVar (database versions not stated): TOPMed below 0.00001.

Submission:

Labcorp Genetics (formerly Invitae), Labcorp
Classification: Uncertain significance. Last evaluated: 2021-12-02. Review status: criteria provided, single submitter. Criteria: Invitae Variant Classification Sherloc (09022015). Collection method: clinical testing. Allele origin: germline.
Comment: In summary, the available evidence is currently insufficient to determine the role of this variant in disease. Therefore, it has been classified as a Variant of Uncertain Significance. Algorithms developed to predict the effect of missense changes on protein structure and function output the following: SIFT: "Tolerated"; PolyPhen-2: "Not Available"; Align-GVGD: "Class C0". The arginine amino acid residue is found in multiple mammalian species, which suggests that this missense change does not adversely affect protein function. This variant has not been reported in the literature in individuals affected with PCLO-related conditions. This variant is not present in population databases (gnomAD no frequency). This sequence change replaces proline, which is neutral and non-polar, with arginine, which is basic and polar, at codon 1509 of the PCLO protein (p.Pro1509Arg).